The following is an entry in ClinVar:

ClinVar aggregate classification (germline): Uncertain significance. Review status: criteria provided, multiple submitters, no conflicts (2 of 4 stars). 2 submissions from 2 submitters: Uncertain significance (2). Last evaluated 2025-03-25.

Conditions:
Myopathy, proximal, and ophthalmoplegia (CMYO6). Also called: MYOPATHY WITH CONGENITAL JOINT CONTRACTURES, OPHTHALMOPLEGIA, AND RIMMED VACUOLES; INCLUSION BODY MYOPATHY 3, AUTOSOMAL DOMINANT; CONGENITAL MYOPATHY 6 WITH OPHTHALMOPLEGIA. Identifiers: Orphanet 363677, Orphanet 79091, MedGen C1854106, MONDO:0011577, OMIM 605637.
Inborn genetic diseases. Identifiers: MedGen C0950123, MeSH D030342.

Allele frequency attached by ClinVar (database versions not stated): gnomAD 0.00001 and 0.00002; gnomAD exomes 0.00001; TOPMed 0.00002; ExAC 0.00003.
gnomAD v4.1: 15 of 1,614,062 alleles (0.00093%); highest among the groups gnomAD compares: Non-Finnish European, 0.0011%; no homozygotes.

Submissions (2):

Labcorp Genetics (formerly Invitae), Labcorp
Classification: Uncertain significance for Myopathy, proximal, and ophthalmoplegia. Last evaluated: 2025-03-25. Review status: criteria provided, single submitter. Criteria: Invitae Variant Classification Sherloc (09022015). Collection method: clinical testing. Allele origin: germline.
Comment: This sequence change replaces glutamic acid, which is acidic and polar, with lysine, which is basic and polar, at codon 1432 of the MYH2 protein (p.Glu1432Lys). This variant is present in population databases (rs747081221, gnomAD 0.004%). This variant has not been reported in the literature in individuals affected with MYH2-related conditions. ClinVar contains an entry for this variant (Variation ID: 570146). Invitae Evidence Modeling of protein sequence and biophysical properties (such as structural, functional, and spatial information, amino acid conservation, physicochemical variation, residue mobility, and thermodynamic stability) indicates that this missense variant is expected to disrupt MYH2 protein function with a positive predictive value of 80%. In summary, the available evidence is currently insufficient to determine the role of this variant in disease. Therefore, it has been classified as a Variant of Uncertain Significance.

Ambry Genetics
Classification: Uncertain significance for Inborn genetic diseases. Last evaluated: 2024-06-19. Review status: criteria provided, single submitter. Criteria: Ambry Variant Classification Scheme 2023. Collection method: clinical testing. Allele origin: germline.

NM_017534.6(MYH2):c.4294G>A (p.Glu1432Lys)

Genes: MYHAS (myosin heavy chain gene cluster antisense RNA; plus strand), MYH2 (myosin heavy chain 2; minus strand). Cytogenetic location: 17p13.1.
Variant type: single nucleotide variant.
Coding change: c.4294G>A on transcript NM_017534.6 (MANE Select); coding-DNA position 4294, G replaced by A.
Protein change: p.Glu1432Lys; replaces glutamic acid 1432 with lysine.
Molecular consequence: missense variant.
Genome position (GRCh38, 1-based): chr17:10,525,770, C>T on the plus strand (G>A on the coding strand, the complement: MYH2 is on the minus strand). VCF-style: chr17-10525770-C-T. GRCh37 (hg19) VCF-style: chr17-10429087-C-T.
Other names: c.4294G>A, p.Glu1432Lys (NM_001100112.2); short protein forms E1432K.
Identifiers: ClinVar variation 570146 (VCV000570146.7), dbSNP rs747081221, ClinGen allele CA8390671.